The following is an entry in ClinVar:

ClinVar aggregate classification (germline): Pathogenic (1 of 4 stars; one submission).

Conditions:
Nephronophthisis 3 (NPHP3). Also called: Adolescent nephronophthisis. Identifiers: Orphanet 655, MedGen C1858392, MONDO:0011456, OMIM 604387.

Submission:

Molecular Medicine Center, Medical University of Sofia
Classification: Pathogenic for Nephronophthisis 3. Last evaluated: 2017-04-11. Review status: criteria provided, single submitter. Criteria: Submitter's publication. Collection method: clinical testing. Allele origin: paternal. Inheritance: Autosomal recessive inheritance. Affected: yes. Observed: 1 variant allele, 1 compound heterozygote.
Comment: Possibility for epistatic interaction of the NPHP mutations.

Literature cited by the submitters: DOI 10.1016/j.ejmg.2017.04.002.

NM_153240.5(NPHP3):c.3608del (p.Ala1203fs)

Genes: NPHP3 (nephrocystin 3; minus strand), NPHP3-ACAD11 (NPHP3-ACAD11 readthrough (NMD candidate); minus strand). Cytogenetic location: 3q22.1.
Variant type: Deletion.
Coding change: c.3608del on transcript NM_153240.5 (MANE Select); coding-DNA position 3608, one base deleted (C; older notation c.3608delC).
Protein change: p.Ala1203fs; shifts the reading frame from alanine 1203.
Molecular consequence: frameshift variant. On other transcripts: non-coding transcript variant (1).
Genome position (GRCh38, 1-based): chr3:132,683,487, G deleted on the plus strand (C on the coding strand, the reverse complement: NPHP3 is on the minus strand). VCF-style (leftmost placement, unchanged base first): chr3-132683486-AG-A. GRCh37 (hg19) VCF-style: chr3-132402330-AG-A.
Other names: short protein forms A1203fs.
Identifiers: ClinVar variation 403710 (VCV000403710.2), dbSNP rs1060499938, ClinGen allele CA16609833.